The following is an entry in ClinVar:

NM_000548.5(TSC2):c.1839+5G>A

Gene: TSC2 (TSC complex subunit 2; plus strand). Cytogenetic location: 16p13.3.
Variant type: single nucleotide variant.
Coding change: c.1839+5G>A on transcript NM_000548.5 (MANE Select); 5 bases into the intron after coding-DNA position 1839, G replaced by A.
Molecular consequence: intron variant.
Genome position (GRCh38, 1-based): chr16:2,070,583, G>A. VCF-style: chr16-2070583-G-A. GRCh37 (hg19) VCF-style: chr16-2120584-G-A.
Other names: c.495+5G>A (NM_001406693.1, NM_001406689.1, NM_001406690.1 and 6 more transcripts); c.1929+5G>A (NM_001406667.1, NM_001406668.1); c.1239+5G>A (NM_001406680.1, NM_001406683.1, NM_001406687.1 and 6 more transcripts); c.237+5G>A (NM_001406698.1); c.1839+5G>A (NM_001114382.3, NM_001406663.1, NM_001406664.1 and 6 more transcripts); c.1827+5G>A (NM_001406671.1, NM_001406673.1); c.1377+5G>A (NM_001406681.1); c.1728+5G>A (NM_001406670.1, NM_001318827.2, NM_001406678.1); and 3 more.
Identifiers: ClinVar variation 3659214 (VCV003659214.2).

ClinVar aggregate classification (germline): Uncertain significance (1 of 4 stars; one submission).

Conditions:
Tuberous sclerosis 2 (TSC2). Identifiers: Orphanet 805, MedGen C1860707, MONDO:0013199, OMIM 613254.

Submission:

Labcorp Genetics (formerly Invitae), Labcorp
Classification: Uncertain significance for Tuberous sclerosis 2. Last evaluated: 2024-07-11. Review status: criteria provided, single submitter. Criteria: Invitae Variant Classification Sherloc (09022015). Collection method: clinical testing. Allele origin: germline.
Comment: This sequence change falls in intron 17 of the TSC2 gene. It does not directly change the encoded amino acid sequence of the TSC2 protein. It affects a nucleotide within the consensus splice site. This variant is not present in population databases (gnomAD no frequency). This variant has not been reported in the literature in individuals affected with TSC2-related conditions. Variants that disrupt the consensus splice site are a relatively common cause of aberrant splicing (PMID: 17576681, 9536098). Algorithms developed to predict the effect of sequence changes on RNA splicing suggest that this variant is not likely to affect RNA splicing. In summary, the available evidence is currently insufficient to determine the role of this variant in disease. Therefore, it has been classified as a Variant of Uncertain Significance.

Literature cited by the submitters: PubMed 17576681; PubMed 9536098.